The following is an entry in ClinVar:

ClinVar aggregate classification (germline): Uncertain significance (1 of 4 stars; one submission).

Submission:

GeneDx
Classification: Uncertain significance. Last evaluated: 2023-03-09. Review status: criteria provided, single submitter. Criteria: GeneDx Variant Classification Process June 2021. Collection method: clinical testing. Allele origin: germline. Affected: yes.
Comment: Not observed at significant frequency in large population cohorts (gnomAD); In silico analysis supports that this missense variant has a deleterious effect on protein structure/function; Has not been previously published as pathogenic or benign to our knowledge

NM_001270.4(CHD1):c.4343G>C (p.Arg1448Thr)

Gene: CHD1 (chromodomain helicase DNA binding protein 1; minus strand). Cytogenetic location: 5q15.
Variant type: single nucleotide variant.
Coding change: c.4343G>C on transcript NM_001270.4 (MANE Select); coding-DNA position 4343, G replaced by C.
Protein change: p.Arg1448Thr; replaces arginine 1448 with threonine.
Molecular consequence: missense variant. On other transcripts: non-coding transcript variant (1).
Genome position (GRCh38, 1-based): chr5:98,863,492, C>G on the plus strand (G>C on the coding strand, the complement: CHD1 is on the minus strand). VCF-style: chr5-98863492-C-G. GRCh37 (hg19) VCF-style: chr5-98199196-C-G.
Other names: c.4607G>C, p.Arg1536Thr (NM_001364113.3); c.4343G>C, p.Arg1448Thr (NM_001376194.2); short protein forms R1448T, R1536T.
Identifiers: ClinVar variation 2579614 (VCV002579614.1), dbSNP rs2479373716, ClinGen allele CA360519392.